The following is an entry in ClinVar:

NM_001370298.3(FGD4):c.1839G>A (p.Met613Ile)

Gene: FGD4 (FYVE, RhoGEF and PH domain containing 4; plus strand). Cytogenetic location: 12p11.21.
Variant type: single nucleotide variant.
Coding change: c.1839G>A on transcript NM_001370298.3 (MANE Select); coding-DNA position 1839, G replaced by A.
Protein change: p.Met613Ile; replaces methionine 613 with isoleucine.
Molecular consequence: missense variant.
Genome position (GRCh38, 1-based): chr12:32,619,787, G>A. VCF-style: chr12-32619787-G-A. GRCh37 (hg19) VCF-style: chr12-32772721-G-A.
Other names: c.1683G>A, p.Met561Ile (NM_001304481.2); c.684G>A, p.Met228Ile (NM_001304483.2); c.396G>A, p.Met132Ile (NM_001304484.2); c.1149G>A, p.Met383Ile (NM_001330373.2, NM_001330374.2, NM_001384130.1); c.876G>A, p.Met292Ile (NM_001370297.1); c.1839G>A, p.Met613Ile (NM_001384126.1); c.1428G>A, p.Met476Ile (NM_001384127.1, NM_001384128.1, NM_001385118.1 and 1 more transcripts); short protein forms M228I, M613I, M132I, M561I, M383I, M476I, M292I.
Identifiers: ClinVar variation 1878269 (VCV001878269.1), dbSNP rs777703867, ClinGen allele CA6506889.
Genomic context (GRCh38, chr12:32,619,787, plus strand): 5'-CAAATTCAGCTTGGTAGGCTCTAAATTCACAGTTCGAACCAGGGTTGGCATTGATGGAAT[G>A]AAAATTGTAGAGACTCAAAATGAAGAATATCCACATACTTTCCAGGTGTCTGGGAAAGAG-3'
Protein context (NP_001357227.2, residues 603-623): TVRTRVGIDG[Met613Ile]KIVETQNEEY

ClinVar aggregate classification (germline): Uncertain significance (1 of 4 stars; one submission).

Allele frequency attached by ClinVar (database versions not stated): ExAC 0.00001.
gnomAD v4.1: 1 of 1,614,154 alleles (0.000062%); no homozygotes.

Submission:

Women's Health and Genetics/Laboratory Corporation of America, LabCorp
Classification: Uncertain significance. Last evaluated: 2022-12-09. Review status: criteria provided, single submitter. Criteria: LabCorp Variant Classification Summary - May 2015. Collection method: clinical testing. Allele origin: germline.
Comment: Variant summary: FGD4 c.1428G>A (p.Met476Ile) results in a conservative amino acid change located in the Pleckstrin homology domain of the encoded protein sequence. Four of five in-silico tools predict a damaging effect of the variant on protein function. The variant allele was found at a frequency of 4e-06 in 251472 control chromosomes. The available data on variant occurrences in the general population are insufficient to allow any conclusion about variant significance. To our knowledge, no occurrence of c.1428G>A in individuals affected with Charcot-Marie Disease Type 4H and no experimental evidence demonstrating its impact on protein function have been reported. No clinical diagnostic laboratories have submitted clinical-significance assessments for this variant to ClinVar after 2014. Based on the evidence outlined above, the variant was classified as uncertain significance.